The following is an entry in ClinVar:

NM_001330260.2(SCN8A):c.4966C>T (p.Leu1656Phe)

Gene: SCN8A (sodium voltage-gated channel alpha subunit 8; plus strand). Cytogenetic location: 12q13.13.
Variant type: single nucleotide variant.
Coding change: c.4966C>T on transcript NM_001330260.2 (MANE Select); coding-DNA position 4966, C replaced by T.
Protein change: p.Leu1656Phe; replaces leucine 1656 with phenylalanine.
Molecular consequence: missense variant.
Genome position (GRCh38, 1-based): chr12:51,806,452, C>T. VCF-style: chr12-51806452-C-T. GRCh37 (hg19) VCF-style: chr12-52200236-C-T.
Other names: c.4843C>T, p.Leu1615Phe (NM_001177984.3, NM_001369788.1); c.4966C>T, p.Leu1656Phe (NM_014191.4); short protein forms L1615F, L1656F.
Identifiers: ClinVar variation 947359 (VCV000947359.13), dbSNP rs1938704933, ClinGen allele CA384882068.

ClinVar aggregate classification (germline): Uncertain significance. Review status: criteria provided, multiple submitters, no conflicts (2 of 4 stars). 3 submissions from 3 submitters: Uncertain significance (3). Last evaluated 2025-04-01.

Conditions:
Developmental and epileptic encephalopathy, 13 (DEE13). Also called: Early infantile epileptic encephalopathy 13; SCN8A-Related Epilepsy; Developmental and Epileptic Encephalopathy (SCN8A-DEE). Identifiers: Orphanet 442835, MedGen C3281191, MONDO:0013801, OMIM 614558.
Early-infantile DEE. Also called: Ohtahara syndrome; Early infantile epileptic encephalopathy; Early infantile epileptic encephalopathy with suppression bursts. Identifiers: Orphanet 1934, MedGen C0393706, MONDO:0800491.

Submissions (3):

GeneDx
Classification: Uncertain significance. Last evaluated: 2025-04-01. Review status: criteria provided, single submitter. Criteria: GeneDx Variant Classification Process June 2021. Collection method: clinical testing. Allele origin: germline. Affected: yes.
Comment: Not observed at significant frequency in large population cohorts (gnomAD); In silico analysis supports that this missense variant has a deleterious effect on protein structure/function; Has not been previously published as pathogenic or benign to our knowledge; This substitution is predicted to be within transmembrane segment S5 of the fourth homologous domain

Department of Paediatric Medicine, Post Graduation Institute of Medical Education and Research
Classification: Uncertain significance for Developmental and epileptic encephalopathy, 13. Last evaluated: 2023-09-12. Review status: criteria provided, single submitter. Criteria: ACMG Guidelines, 2015. Collection method: clinical testing. Allele origin: de novo. Inheritance: Autosomal dominant inheritance. Affected: yes. Observed: 1 variant allele, 1 heterozygote.
Comment: This variant is not reported in 1000G, ExAC and insilico prediction is damaging by various tools.

Labcorp Genetics (formerly Invitae), Labcorp
Classification: Uncertain significance for Early-infantile DEE. Last evaluated: 2019-06-13. Review status: criteria provided, single submitter. Criteria: Invitae Variant Classification Sherloc (09022015). Collection method: clinical testing. Allele origin: germline.
Comment: In summary, the available evidence is currently insufficient to determine the role of this variant in disease. Therefore, it has been classified as a Variant of Uncertain Significance. Algorithms developed to predict the effect of missense changes on protein structure and function are either unavailable or do not agree on the potential impact of this missense change (SIFT: "Deleterious"; PolyPhen-2: "Probably Damaging"; Align-GVGD: "Class C0"). This variant has not been reported in the literature in individuals with SCN8A-related conditions. This variant is not present in population databases (ExAC no frequency). This sequence change replaces leucine with phenylalanine at codon 1656 of the SCN8A protein (p.Leu1656Phe). The leucine residue is highly conserved and there is a small physicochemical difference between leucine and phenylalanine.